The following is an entry in ClinVar:

ClinVar aggregate classification (germline): Uncertain significance (1 of 4 stars; one submission).

Conditions:
Charcot-Marie-Tooth disease axonal type 2O. Also called: CHARCOT-MARIE-TOOTH NEUROPATHY, AXONAL, TYPE 2O; CHARCOT-MARIE-TOOTH DISEASE, AXONAL, AUTOSOMAL DOMINANT, TYPE 2O; Charcot-Marie-Tooth Neuropathy Type 2O; Charcot-Marie-Tooth disease, axonal, type 20. Identifiers: Orphanet 284232, MedGen C3280220, MONDO:0013644, OMIM 614228.

Submission:

Labcorp Genetics (formerly Invitae), Labcorp
Classification: Uncertain significance for Charcot-Marie-Tooth disease axonal type 2O. Last evaluated: 2024-03-27. Review status: criteria provided, single submitter. Criteria: Invitae Variant Classification Sherloc (09022015). Collection method: clinical testing. Allele origin: germline.
Comment: This sequence change creates a premature translational stop signal (p.Gln967*) in the DYNC1H1 gene. It is expected to result in an absent or disrupted protein product. However, the current clinical and genetic evidence is not sufficient to establish whether loss-of-function variants in DYNC1H1 cause disease. This variant is not present in population databases (gnomAD no frequency). This variant has not been reported in the literature in individuals affected with DYNC1H1-related conditions. In summary, the available evidence is currently insufficient to determine the role of this variant in disease. Therefore, it has been classified as a Variant of Uncertain Significance.

NM_001376.5(DYNC1H1):c.2899C>T (p.Gln967Ter)

Genes: DYNC1H1 (dynein cytoplasmic 1 heavy chain 1; plus strand), LOC130056502 (ATAC-STARR-seq lymphoblastoid active region 9063; plus strand). Cytogenetic location: 14q32.31.
Variant type: single nucleotide variant.
Coding change: c.2899C>T on transcript NM_001376.5 (MANE Select); coding-DNA position 2899, C replaced by T.
Protein change: p.Gln967Ter; replaces glutamine 967 with a stop codon.
Molecular consequence: nonsense.
Genome position (GRCh38, 1-based): chr14:101,991,557, C>T. VCF-style: chr14-101991557-C-T. GRCh37 (hg19) VCF-style: chr14-102457894-C-T.
Other names: short protein forms Q967*.
Identifiers: ClinVar variation 3647790 (VCV003647790.2).